The following is an entry in ClinVar:

NM_016008.4(DYNC2LI1):c.534G>A (p.Pro178=)

Gene: DYNC2LI1 (dynein cytoplasmic 2 light intermediate chain 1; plus strand). Cytogenetic location: 2p21.
Variant type: single nucleotide variant.
Coding change: c.534G>A on transcript NM_016008.4 (MANE Select); coding-DNA position 534, G replaced by A.
Protein change: p.Pro178=; no amino-acid change (proline 178 retained).
Molecular consequence: synonymous variant.
Genome position (GRCh38, 1-based): chr2:43,795,916, G>A. VCF-style: chr2-43795916-G-A. GRCh37 (hg19) VCF-style: chr2-44023055-G-A.
Other names: c.537G>A, p.Pro179= (NM_001193464.2, NM_001348913.2); c.534G>A, p.Pro178= (NM_001348912.2).
Identifiers: ClinVar variation 1510100 (VCV001510100.3), dbSNP rs752742141, ClinGen allele CA1635893.
Genomic context (GRCh38, chr2:43,795,916, plus strand): 5'-TTACAACAACTCAAGGAAATATGTTTATTAGCAGGATCATGAATTAATTGACCCATTTCC[G>A]GTACCTCTGGTCATAATTGGAAGTAAATATGATGTTTTTCAGGTAAGCTCTTCCGCTTCT-3'
Protein context (NP_057092.2, residues 168-188): HPDHELIDPF[Pro178=]VPLVIIGSKY

ClinVar aggregate classification (germline): Uncertain significance (1 of 4 stars; one submission).

Allele frequency attached by ClinVar (database versions not stated): TOPMed 0.00003; gnomAD 0.00005 and 0.00006; gnomAD exomes 0.00005 and 0.00007; ExAC 0.00006.
gnomAD v4.1: 105 of 1,613,102 alleles (0.0065%); highest among the groups gnomAD compares: Non-Finnish European, 0.0081%; no homozygotes.

Submission:

Labcorp Genetics (formerly Invitae), Labcorp
Classification: Uncertain significance. Last evaluated: 2022-07-05. Review status: criteria provided, single submitter. Criteria: Invitae Variant Classification Sherloc (09022015). Collection method: clinical testing. Allele origin: germline.
Comment: This sequence change affects codon 178 of the DYNC2LI1 mRNA. It is a 'silent' change, meaning that it does not change the encoded amino acid sequence of the DYNC2LI1 protein. This variant is present in population databases (rs752742141, gnomAD 0.008%). This variant has not been reported in the literature in individuals affected with DYNC2LI1-related conditions. ClinVar contains an entry for this variant (Variation ID: 1510100). Algorithms developed to predict the effect of sequence changes on RNA splicing suggest that this variant may disrupt the consensus splice site. In summary, the available evidence is currently insufficient to determine the role of this variant in disease. Therefore, it has been classified as a Variant of Uncertain Significance.